The following is an entry in ClinVar:

NM_001036.6(RYR3):c.1373G>A (p.Arg458Gln)

Gene: RYR3 (ryanodine receptor 3; plus strand). Cytogenetic location: 15q14.
Variant type: single nucleotide variant.
Coding change: c.1373G>A on transcript NM_001036.6 (MANE Select); coding-DNA position 1373, G replaced by A.
Protein change: p.Arg458Gln; replaces arginine 458 with glutamine.
Molecular consequence: missense variant.
Genome position (GRCh38, 1-based): chr15:33,580,080, G>A. VCF-style: chr15-33580080-G-A. GRCh37 (hg19) VCF-style: chr15-33872281-G-A.
Other names: c.1373G>A (NM_001036.3); c.1373G>A, p.Arg458Gln (NM_001243996.4); short protein forms R458Q.
Identifiers: ClinVar variation 461867 (VCV000461867.36), dbSNP rs74005691, ClinGen allele CA7458113.
Genomic context (GRCh38, chr15:33,580,080, plus strand): 5'-AAGTCCTGCAGACCCTACAGGACTTGATCGCCTACTTCCAGCCCCCAGAGGAGGAGATGC[G>A]ACATGAAGACAAGCAGAACAAGCTCCGCTCACTCAAAAACAGACAAAATCTTTTCAAGGA-3'
Protein context (NP_001027.3, residues 448-468): AYFQPPEEEM[Arg458Gln]HEDKQNKLRS

ClinVar aggregate classification (germline): Likely benign. Review status: criteria provided, multiple submitters, no conflicts (2 of 4 stars). 3 submissions from 3 submitters: Likely benign (3). Last evaluated 2025-05-01.

Conditions:
Epileptic encephalopathy. Identifiers: MedGen C0543888, HP:0200134.

Allele frequency attached by ClinVar (database versions not stated): gnomAD exomes 0.00020 and 0.00043; ExAC 0.00052; ESP Exome Variant Server 0.00065; gnomAD 0.00083 and 0.00084; TOPMed 0.00098; 1000 Genomes Project 0.00120; 1000 Genomes Project 30x 0.00125.

Submissions (3):

CeGaT Center for Human Genetics Tuebingen
Classification: Likely benign. Last evaluated: 2025-05-01. Review status: criteria provided, single submitter. Criteria: CeGaT Center For Human Genetics Tuebingen Variant Classification Criteria Version 2. Collection method: clinical testing. Allele origin: germline. Affected: yes. Observed: 3 variant alleles.
Comment: RYR3: BP4

Labcorp Genetics (formerly Invitae), Labcorp
Classification: Likely benign for Epileptic encephalopathy. Last evaluated: 2022-08-31. Review status: criteria provided, single submitter. Criteria: Invitae Variant Classification Sherloc (09022015). Collection method: clinical testing. Allele origin: germline.

Ambry Genetics
Classification: Likely benign. Last evaluated: 2022-01-31. Review status: criteria provided, single submitter. Criteria: Ambry Variant Classification Scheme 2023. Collection method: clinical testing. Allele origin: germline.